The following is an entry in ClinVar:

ClinVar aggregate classification (germline): Uncertain significance. Review status: criteria provided, multiple submitters, no conflicts (2 of 4 stars). 3 submissions from 3 submitters: Uncertain significance (3). Last evaluated 2025-11-22.

Conditions:
Hereditary cancer-predisposing syndrome. Also called: Neoplastic Syndromes, Hereditary; Hereditary neoplastic syndrome; Tumor predisposition; Hereditary Cancer Syndrome. Identifiers: Orphanet 140162, MedGen C0027672, MeSH D009386, MONDO:0015356.
POLD1-related polyposis and colorectal cancer syndrome (CRCS10). Also called: Colorectal cancer 10; COLORECTAL CANCER, SUSCEPTIBILITY TO, ON CHROMOSOME 19q; Colorectal cancer, susceptibility to, 10. Identifiers: Orphanet 220460, MedGen C2675481, MONDO:0012953, OMIM 612591.

Allele frequency attached by ClinVar (database versions not stated): gnomAD exomes below 0.00001; ExAC 0.00001.

Submissions (3):

Labcorp Genetics (formerly Invitae), Labcorp
Classification: Uncertain significance for POLD1-related polyposis and colorectal cancer syndrome. Last evaluated: 2025-11-22. Review status: criteria provided, single submitter. Criteria: Invitae Variant Classification Sherloc (09022015). Collection method: clinical testing. Allele origin: germline.
Comment: This sequence change replaces arginine, which is basic and polar, with cysteine, which is neutral and slightly polar, at codon 225 of the POLD1 protein (p.Arg225Cys). This variant is present in population databases (rs763249087, gnomAD 0.0009%). This variant has not been reported in the literature in individuals affected with POLD1-related conditions. ClinVar contains an entry for this variant (Variation ID: 469379). Invitae Evidence Modeling of protein sequence and biophysical properties (such as structural, functional, and spatial information, amino acid conservation, physicochemical variation, residue mobility, and thermodynamic stability) indicates that this missense variant is expected to disrupt POLD1 protein function with a positive predictive value of 80%. In summary, the available evidence is currently insufficient to determine the role of this variant in disease. Therefore, it has been classified as a Variant of Uncertain Significance.

Ambry Genetics
Classification: Uncertain significance for Hereditary cancer-predisposing syndrome. Last evaluated: 2024-02-04. Review status: criteria provided, single submitter. Criteria: Ambry Variant Classification Scheme 2023. Collection method: clinical testing. Allele origin: germline.
Comment: The p.R225C variant (also known as c.673C>T), located in coding exon 5 of the POLD1 gene, results from a C to T substitution at nucleotide position 673. The arginine at codon 225 is replaced by cysteine, an amino acid with highly dissimilar properties. This amino acid position is conserved. In addition, the in silico prediction for this alteration is inconclusive. Since supporting evidence is limited at this time, the clinical significance of this alteration remains unclear.

GeneDx
Classification: Uncertain significance. Last evaluated: 2020-12-09. Review status: criteria provided, single submitter. Criteria: GeneDx Variant Classification Process June 2021. Collection method: clinical testing. Allele origin: germline. Affected: yes.
Comment: Not observed at a significant frequency in large population cohorts (Lek 2016); In silico analysis supports that this missense variant has a deleterious effect on protein structure/function; Has not been previously published as pathogenic or benign to our knowledge

NM_002691.4(POLD1):c.673C>T (p.Arg225Cys)

Gene: POLD1 (DNA polymerase delta 1, catalytic subunit; plus strand). Cytogenetic location: 19q13.33.
Variant type: single nucleotide variant.
Coding change: c.673C>T on transcript NM_002691.4 (MANE Select); coding-DNA position 673, C replaced by T.
Protein change: p.Arg225Cys; replaces arginine 225 with cysteine.
Molecular consequence: missense variant. On other transcripts: non-coding transcript variant (1).
Genome position (GRCh38, 1-based): chr19:50,402,288, C>T. VCF-style: chr19-50402288-C-T. GRCh37 (hg19) VCF-style: chr19-50905545-C-T.
Other names: c.673C>T, p.Arg225Cys (NM_001256849.1, NM_001308632.1); short protein forms R225C.
Identifiers: ClinVar variation 469379 (VCV000469379.13), dbSNP rs763249087, ClinGen allele CA9595862.